The following is an entry in ClinVar:

ClinVar aggregate classification (germline): Uncertain significance (1 of 4 stars; one submission).

Allele frequency attached by ClinVar (database versions not stated): TOPMed 0.00001.
gnomAD v4.1: 3 of 1,430,902 alleles (0.00021%); highest among the groups gnomAD compares: East Asian, 0.0064%; no homozygotes.

Submission:

Labcorp Genetics (formerly Invitae), Labcorp
Classification: Uncertain significance. Last evaluated: 2024-10-03. Review status: criteria provided, single submitter. Criteria: Invitae Variant Classification Sherloc (09022015). Collection method: clinical testing. Allele origin: germline.
Comment: This sequence change replaces glycine, which is neutral and non-polar, with glutamic acid, which is acidic and polar, at codon 6 of the RP9 protein (p.Gly6Glu). This variant is present in population databases (no rsID available, gnomAD 0.09%). This variant has not been reported in the literature in individuals affected with RP9-related conditions. An algorithm developed to predict the effect of missense changes on protein structure and function outputs the following: PolyPhen-2: "Probably Damaging". The glutamic acid amino acid residue is found in multiple mammalian species, which suggests that this missense change does not adversely affect protein function. In summary, the available evidence is currently insufficient to determine the role of this variant in disease. Therefore, it has been classified as a Variant of Uncertain Significance.

NM_203288.2(RP9):c.17G>A (p.Gly6Glu)

Genes: RP9 (RP9 pre-mRNA splicing factor; minus strand), LOC129998225 (ATAC-STARR-seq lymphoblastoid silent region 18090; plus strand). Cytogenetic location: 7p14.3.
Variant type: single nucleotide variant.
Coding change: c.17G>A on transcript NM_203288.2 (MANE Select); coding-DNA position 17, G replaced by A.
Protein change: p.Gly6Glu; replaces glycine 6 with glutamic acid.
Molecular consequence: missense variant.
Genome position (GRCh38, 1-based): chr7:33,109,356, C>T on the plus strand (G>A on the coding strand, the complement: RP9 is on the minus strand). VCF-style: chr7-33109356-C-T. GRCh37 (hg19) VCF-style: chr7-33148968-C-T.
Other names: short protein forms G6E.
Identifiers: ClinVar variation 2920380 (VCV002920380.3), dbSNP rs1242766014, ClinGen allele CA367185457.